The following is an entry in ClinVar:

ClinVar aggregate classification (germline): Conflicting classifications of pathogenicity. Review status: criteria provided, conflicting classifications (1 of 4 stars). 6 submissions from 6 submitters: Uncertain significance (1); Benign (2); Likely benign (2). 1 of the submissions does not count toward it. Last evaluated 2026-03-01.

Conditions:
Familial thoracic aortic aneurysm and aortic dissection (TAAD). Also called: Thoracic aortic aneurysms and dissections. Identifiers: Orphanet 91387, MedGen C4707243, MONDO:0019625.
FLNA-related disorder.
Melnick-Needles syndrome (MNS). Also called: OSTEODYSPLASTY OF MELNICK AND NEEDLES; MELNICK-NEEDLES OSTEODYSPLASTY; Melnick-Needles Syndrome (FLNA-MNS). Identifiers: Orphanet 2484, MedGen C0025237, MONDO:0010650, OMIM 309350.
Frontometaphyseal dysplasia (FMD1). Identifiers: Orphanet 1826, MedGen C0265293, MONDO:0015942.
Heterotopia, periventricular, X-linked dominant (PVNH1). Also called: PERIVENTRICULAR NODULAR HETEROTOPIA 1; PERIVENTRICULAR NODULAR HETEROTOPIA 4; HETEROTOPIA, PERIVENTRICULAR, 1; X-linked periventricular heterotopia. Identifiers: Orphanet 2149, Orphanet 82004, MedGen C1848213, MONDO:0010233, OMIM 300049.
Oto-palato-digital syndrome, type II (OPD2). Also called: OPD II SYNDROME; FACIOPALATOOSSEOUS SYNDROME; Otopalatodigital Syndrome Type 2 (FLNA-OPD2); Otopalatodigital Syndrome, Type II. Identifiers: Orphanet 669, Orphanet 90652, MedGen C1844696, MONDO:0010571, OMIM 304120.

Allele frequency attached by ClinVar (database versions not stated): gnomAD exomes 0.00006 and 0.00013; ESP Exome Variant Server 0.00020; ExAC 0.00021; gnomAD 0.00047; TOPMed 0.00057; 1000 Genomes Project 30x 0.00104; 1000 Genomes Project 0.00132.
gnomAD v4.1: 118 of 1,210,312 alleles (0.0097%); highest among the groups gnomAD compares: African/African-American, 0.16%; no homozygotes.

Submissions (6):

CeGaT Center for Human Genetics Tuebingen
Classification: Likely benign. Last evaluated: 2026-03-01. Review status: criteria provided, single submitter. Criteria: CeGaT Center For Human Genetics Tuebingen Variant Classification Criteria Version 2. Collection method: clinical testing. Allele origin: germline. Affected: yes. Observed: 1 variant allele.
Comment: FLNA: PM5, BS2

Labcorp Genetics (formerly Invitae), Labcorp
Classification: Benign for Oto-palato-digital syndrome, type II; Heterotopia, periventricular, X-linked dominant; Frontometaphyseal dysplasia; Melnick-Needles syndrome. Last evaluated: 2026-01-08. Review status: criteria provided, single submitter. Criteria: Invitae Variant Classification Sherloc (09022015). Collection method: clinical testing. Allele origin: germline.

GeneDx
Classification: Likely benign. Last evaluated: 2021-08-05. Review status: criteria provided, single submitter. Criteria: GeneDx Variant Classification Process June 2021. Collection method: clinical testing. Allele origin: germline. Affected: yes.

Ambry Genetics
Classification: Benign for Familial thoracic aortic aneurysm and aortic dissection. Last evaluated: 2018-11-08. Review status: criteria provided, single submitter. Criteria: Ambry Variant Classification Scheme 2023. Collection method: clinical testing. Allele origin: germline.

Eurofins Ntd Llc (ga)
Classification: Uncertain significance. Last evaluated: 2016-11-04. Review status: criteria provided, single submitter. Criteria: EGL Classification Definitions 2015. Collection method: clinical testing. Allele origin: germline. Observed: 1 variant allele, 1 hemizygote.

PreventionGenetics, part of Exact Sciences
Classification: Likely benign for FLNA-related condition. Last evaluated: 2024-04-29. Review status: no assertion criteria provided. Collection method: clinical testing. Allele origin: germline. Not counted in ClinVar's aggregate classification.
Comment: This variant is classified as likely benign based on ACMG/AMP sequence variant interpretation guidelines (Richards et al. 2015 PMID: 25741868, with internal and published modifications).

NM_001110556.2(FLNA):c.1450C>T (p.Arg484Trp)

Gene: FLNA (filamin A; minus strand). Cytogenetic location: Xq28.
Variant type: single nucleotide variant.
Coding change: c.1450C>T on transcript NM_001110556.2 (MANE Select); coding-DNA position 1450, C replaced by T.
Protein change: p.Arg484Trp; replaces arginine 484 with tryptophan.
Molecular consequence: missense variant.
Genome position (GRCh38, 1-based): chrX:154,365,466, G>A on the plus strand (C>T on the coding strand, the complement: FLNA is on the minus strand). VCF-style: chrX-154365466-G-A. GRCh37 (hg19) VCF-style: chrX-153593834-G-A.
Other names: c.1450C>T, p.Arg484Trp (NM_001456.4); c.1450C>T (NM_001110556.1); short protein forms R484W.
Identifiers: ClinVar variation 497691 (VCV000497691.28), dbSNP rs61730768, ClinGen allele CA10561169.
Genomic context (GRCh38, chrX:154,365,466, plus strand): 5'-TGAAGTCAGCTGTCTCCTTCACCCGCACACCCTTGGGCTGGAGGCCCCGGCCAACCGCCC[G>A]GCAGGCACTCGGGTTACAGGCTGCAGGCAGAGGGGCCAGCTGAGCACCAGCAGCTCGGCT-3'
Protein context (NP_001104026.1, residues 474-494): VGQACNPSAC[Arg484Trp]AVGRGLQPKG